The following is an entry in ClinVar:

ClinVar aggregate classification (germline): Uncertain significance. Review status: criteria provided, multiple submitters, no conflicts (2 of 4 stars). 2 submissions from 2 submitters: Uncertain significance (2). Last evaluated 2022-10-13.

Allele frequency attached by ClinVar (database versions not stated): TOPMed 0.00014; 1000 Genomes Project 30x 0.00016; ESP Exome Variant Server 0.00017; ExAC 0.00016; gnomAD exomes 0.00018; 1000 Genomes Project 0.00020; gnomAD 0.00024 and 0.00025.
gnomAD v4.1: 406 of 1,589,464 alleles (0.026%); highest among the groups gnomAD compares: Non-Finnish European, 0.033%; no homozygotes.

Submissions (4):

Labcorp Genetics (formerly Invitae), Labcorp
Classification: Uncertain significance. Last evaluated: 2022-10-13. Review status: criteria provided, single submitter. Criteria: Invitae Variant Classification Sherloc (09022015). Collection method: clinical testing. Allele origin: germline.
Comment: This sequence change falls in intron 15 of the MPDZ gene. It does not directly change the encoded amino acid sequence of the MPDZ protein. It affects a nucleotide within the consensus splice site. This variant is present in population databases (rs373084416, gnomAD 0.05%). This variant has not been reported in the literature in individuals affected with MPDZ-related conditions. ClinVar contains an entry for this variant (Variation ID: 595025). Variants that disrupt the consensus splice site are a relatively common cause of aberrant splicing (PMID: 17576681, 9536098). Algorithms developed to predict the effect of sequence changes on RNA splicing suggest that this variant may disrupt the consensus splice site. In summary, the available evidence is currently insufficient to determine the role of this variant in disease. Therefore, it has been classified as a Variant of Uncertain Significance.

Eurofins Ntd Llc (ga)
Classification: Uncertain significance. Last evaluated: 2017-11-15. Review status: criteria provided, single submitter. Criteria: EGL Classification Definitions 2015. Collection method: clinical testing. Allele origin: germline. Observed: 1 variant allele, 1 heterozygote.

Dr. Peter K. Rogan Lab, Western University
No classification provided (evidence only). Condition: Sarcoma. Review status: no classification provided. Collection method: in vitro. Allele origin: not applicable. Functional consequence: skipped exon, retained intron. Not counted in ClinVar's aggregate classification.

Dr. Peter K. Rogan Lab, Western University
No classification provided (evidence only). Condition: Ovarian cancer. Review status: no classification provided. Collection method: in vitro. Allele origin: not applicable. Functional consequence: skipped exon, retained intron. Not counted in ClinVar's aggregate classification.

Literature cited by the submitters: PubMed 17576681 (cited by Labcorp Genetics (formerly Invitae), Labcorp); PubMed 9536098 (cited by Labcorp Genetics (formerly Invitae), Labcorp).

NM_001378778.1(MPDZ):c.1968+3A>T

Gene: MPDZ (multiple PDZ domain crumbs cell polarity complex component; minus strand). Cytogenetic location: 9p23.
Variant type: single nucleotide variant.
Coding change: c.1968+3A>T on transcript NM_001378778.1 (MANE Select); 3 bases into the intron after coding-DNA position 1968, A replaced by T.
Molecular consequence: intron variant.
Genome position (GRCh38, 1-based): chr9:13,192,128, T>A on the plus strand (A>T on the coding strand, the complement: MPDZ is on the minus strand). VCF-style: chr9-13192128-T-A. GRCh37 (hg19) VCF-style: chr9-13192127-T-A.
Other names: c.1968+3A>T (NM_001375425.1, NM_001375420.1, NM_001375419.1 and 14 more transcripts).
Identifiers: ClinVar variation 595025 (VCV000595025.8), dbSNP rs373084416, ClinGen allele CA4987626.